The following is an entry in ClinVar:

ClinVar aggregate classification (germline): Uncertain significance (1 of 4 stars; one submission).

Conditions:
Diamond-Blackfan anemia 5 (DBA5). Also called: RPL35A-Related Diamond-Blackfan Anemia. Identifiers: Orphanet 124, MedGen C2675859, MONDO:0012925, OMIM 612528.

Submission:

Labcorp Genetics (formerly Invitae), Labcorp
Classification: Uncertain significance for Diamond-Blackfan anemia 5. Last evaluated: 2024-08-28. Review status: criteria provided, single submitter. Criteria: Invitae Variant Classification Sherloc (09022015). Collection method: clinical testing. Allele origin: germline.
Comment: This sequence change replaces glutamic acid, which is acidic and polar, with aspartic acid, which is acidic and polar, at codon 31 of the RPL35A protein (p.Glu31Asp). This variant is not present in population databases (gnomAD no frequency). This variant has not been reported in the literature in individuals affected with RPL35A-related conditions. An algorithm developed to predict the effect of missense changes on protein structure and function (PolyPhen-2) suggests that this variant is likely to be tolerated. In summary, the available evidence is currently insufficient to determine the role of this variant in disease. Therefore, it has been classified as a Variant of Uncertain Significance.

NM_000996.4(RPL35A):c.93A>C (p.Glu31Asp)

Genes: RPL35A (ribosomal protein L35a; plus strand), DRC9 (dynein regulatory complex subunit 9; minus strand). Cytogenetic location: 3q29.
Variant type: single nucleotide variant.
Coding change: c.93A>C on transcript NM_000996.4 (MANE Select); coding-DNA position 93, A replaced by C.
Protein change: p.Glu31Asp; replaces glutamic acid 31 with aspartic acid.
Molecular consequence: missense variant. On other transcripts: intron variant (3).
Genome position (GRCh38, 1-based): chr3:197,951,240, A>C. VCF-style: chr3-197951240-A-C. GRCh37 (hg19) VCF-style: chr3-197678111-A-C.
Other names: c.93A>C, p.Glu31Asp (NM_001316311.2); c.-49-7189T>G (NM_001323028.2); c.-59-5554T>G (NM_032263.5); c.-374-5554T>G (NM_001323029.2); short protein forms E31D.
Identifiers: ClinVar variation 3699352 (VCV003699352.2).